The following is an entry in ClinVar:

ClinVar aggregate classification (germline): Uncertain significance (1 of 4 stars; one submission).

Conditions:
Adams-Oliver syndrome 5 (AOS5). Identifiers: Orphanet 974, MedGen C4014970, MONDO:0014459, OMIM 616028.

Submission:

Labcorp Genetics (formerly Invitae), Labcorp
Classification: Uncertain significance for Adams-Oliver syndrome 5. Last evaluated: 2023-10-13. Review status: criteria provided, single submitter. Criteria: Invitae Variant Classification Sherloc (09022015). Collection method: clinical testing. Allele origin: germline.
Comment: This sequence change replaces cysteine, which is neutral and slightly polar, with tyrosine, which is neutral and polar, at codon 1180 of the NOTCH1 protein (p.Cys1180Tyr). This variant is not present in population databases (gnomAD no frequency). This variant has not been reported in the literature in individuals affected with NOTCH1-related conditions. ClinVar contains an entry for this variant (Variation ID: 1486554). Advanced modeling of protein sequence and biophysical properties (such as structural, functional, and spatial information, amino acid conservation, physicochemical variation, residue mobility, and thermodynamic stability) performed at Invitae indicates that this missense variant is expected to disrupt NOTCH1 protein function. In summary, the available evidence is currently insufficient to determine the role of this variant in disease. Therefore, it has been classified as a Variant of Uncertain Significance.

NM_017617.5(NOTCH1):c.3539G>A (p.Cys1180Tyr)

Gene: NOTCH1 (notch receptor 1; minus strand). Cytogenetic location: 9q34.3.
Variant type: single nucleotide variant.
Coding change: c.3539G>A on transcript NM_017617.5 (MANE Select); coding-DNA position 3539, G replaced by A.
Protein change: p.Cys1180Tyr; replaces cysteine 1180 with tyrosine.
Molecular consequence: missense variant.
Genome position (GRCh38, 1-based): chr9:136,507,409, C>T on the plus strand (G>A on the coding strand, the complement: NOTCH1 is on the minus strand). VCF-style: chr9-136507409-C-T. GRCh37 (hg19) VCF-style: chr9-139401861-C-T.
Other names: short protein forms C1180Y.
Identifiers: ClinVar variation 1486554 (VCV001486554.8), dbSNP rs1218904003, ClinGen allele CA375550061.
Genomic context (GRCh38, chr9:136,507,409, plus strand): 5'-TCGAGGCAGGTGCCCCCGTTCTGGCAGGGGTGGGAGAGGCACTCGTCGATCTCCTCAGAG[C>T]AGTTCACCCCGTGGTAGCCGGCCACGCACTGTGCAGGCGACAGAACGAGGGGCCCTTCGG-3'
Protein context (NP_060087.3, residues 1170-1190): KCVAGYHGVN[Cys1180Tyr]SEEIDECLSH